The following is an entry in ClinVar:

ClinVar aggregate classification (germline): Likely benign. Review status: criteria provided, multiple submitters, no conflicts (2 of 4 stars). 4 submissions from 4 submitters: Likely benign (4). Last evaluated 2026-10-01.

Conditions:
Primary ciliary dyskinesia. Also called: Ciliary dyskinesia. Identifiers: Orphanet 244, MedGen C0008780, MONDO:0016575, HP:0012265.

Allele frequency attached by ClinVar (database versions not stated): 1000 Genomes Project 30x 0.00031; 1000 Genomes Project 0.00040; ESP Exome Variant Server 0.00057; ExAC 0.00068; gnomAD exomes 0.00069; gnomAD 0.00085 and 0.00088; TOPMed 0.00099.
gnomAD v4.1: 2,174 of 1,609,500 alleles (0.14%); highest among the groups gnomAD compares: Non-Finnish European, 0.17%; 4 homozygotes.

Submissions (4):

CeGaT Center for Human Genetics Tuebingen
Classification: Likely benign. Last evaluated: 2026-10-01. Review status: criteria provided, single submitter. Criteria: CeGaT Center For Human Genetics Tuebingen Variant Classification Criteria Version 2. Collection method: clinical testing. Allele origin: germline. Affected: yes. Observed: 2 variant alleles.
Comment: DNAH11: BP4

Labcorp Genetics (formerly Invitae), Labcorp
Classification: Likely benign for Primary ciliary dyskinesia. Last evaluated: 2026-01-26. Review status: criteria provided, single submitter. Criteria: Invitae Variant Classification Sherloc (09022015). Collection method: clinical testing. Allele origin: germline.

Blueprint Genetics
Classification: Likely benign. Last evaluated: 2024-10-31. Review status: criteria provided, single submitter. Criteria: ACMG Guidelines, 2015. Collection method: clinical testing. Allele origin: germline.

PreventionGenetics, part of Exact Sciences
Classification: Likely benign. Review status: criteria provided, single submitter. Criteria: ACMG Guidelines, 2015. Collection method: clinical testing. Allele origin: germline.

NM_001277115.2(DNAH11):c.11203-4C>T

Gene: DNAH11 (dynein axonemal heavy chain 11; plus strand). Cytogenetic location: 7p15.3.
Variant type: single nucleotide variant.
Coding change: c.11203-4C>T on transcript NM_001277115.2 (MANE Select); 4 bases into the intron before coding-DNA position 11203, C replaced by T.
Molecular consequence: intron variant.
Genome position (GRCh38, 1-based): chr7:21,861,849, C>T. VCF-style: chr7-21861849-C-T. GRCh37 (hg19) VCF-style: chr7-21901467-C-T.
Identifiers: ClinVar variation 257851 (VCV000257851.18), dbSNP rs200188856, ClinGen allele CA4182665.